The following is an entry in ClinVar:

ClinVar aggregate classification (germline): Uncertain significance. Review status: criteria provided, multiple submitters, no conflicts (2 of 4 stars). 5 submissions from 5 submitters: Uncertain significance (4). 1 of the submissions does not count toward it. Last evaluated 2024-11-27.

Conditions:
Walker-Warburg congenital muscular dystrophy. Also called: Muscular dystrophy-dystroglycanopathy, type A; Walker-Warburg syndrome. Identifiers: Orphanet 899, MedGen C0265221, MONDO:0000171.
Autosomal recessive limb-girdle muscular dystrophy type 2I. Also called: MUSCULAR DYSTROPHY-DYSTROGLYCANOPATHY, LIMB-GIRDLE, FRKP-RELATED; MUSCULAR DYSTROPHY, LIMB-GIRDLE, TYPE 2I; MUSCULAR DYSTROPHY-DYSTROGLYCANOPATHY (LIMB-GIRDLE), TYPE C, 5. Identifiers: Orphanet 34515, MedGen C1846672, MONDO:0011787, OMIM 607155.
Cardiovascular phenotype. Identifiers: MedGen CN230736.

Allele frequency attached by ClinVar (database versions not stated): gnomAD 0.00001 and 0.00002; gnomAD exomes 0.00001; TOPMed 0.00004.
gnomAD v4.1: 7 of 1,444,946 alleles (0.00048%); highest among the groups gnomAD compares: Admixed American, 0.011%; no homozygotes.

Submissions (5):

Ambry Genetics
Classification: Uncertain significance for Cardiovascular phenotype. Last evaluated: 2024-11-27. Review status: criteria provided, single submitter. Criteria: Ambry Variant Classification Scheme 2023. Collection method: clinical testing. Allele origin: germline.
Comment: The p.A242V variant (also known as c.725C>T), located in coding exon 1 of the FKRP gene, results from a C to T substitution at nucleotide position 725. The alanine at codon 242 is replaced by valine, an amino acid with similar properties. This amino acid position is conserved. In addition, this alteration is predicted to be tolerated by in silico analysis. Based on the available evidence, the clinical significance of this variant remains unclear.

Mayo Clinic Laboratories, Mayo Clinic
Classification: Uncertain significance. Last evaluated: 2024-06-05. Review status: criteria provided, single submitter. Criteria: ACMG Guidelines, 2015. Collection method: clinical testing. Allele origin: germline. Observed: 1 variant allele.
Comment: BP4

Labcorp Genetics (formerly Invitae), Labcorp
Classification: Uncertain significance for Walker-Warburg congenital muscular dystrophy. Last evaluated: 2022-08-21. Review status: criteria provided, single submitter. Criteria: Invitae Variant Classification Sherloc (09022015). Collection method: clinical testing. Allele origin: germline.
Comment: This sequence change replaces alanine, which is neutral and non-polar, with valine, which is neutral and non-polar, at codon 242 of the FKRP protein (p.Ala242Val). The frequency data for this variant in the population databases is considered unreliable, as metrics indicate poor data quality at this position in the gnomAD database. This variant has not been reported in the literature in individuals affected with FKRP-related conditions. ClinVar contains an entry for this variant (Variation ID: 971263). Algorithms developed to predict the effect of missense changes on protein structure and function output the following: SIFT: "Tolerated"; PolyPhen-2: "Benign"; Align-GVGD: "Class C0". The valine amino acid residue is found in multiple mammalian species, which suggests that this missense change does not adversely affect protein function. In summary, the available evidence is currently insufficient to determine the role of this variant in disease. Therefore, it has been classified as a Variant of Uncertain Significance.

GeneDx
Classification: Uncertain significance. Last evaluated: 2020-02-06. Review status: criteria provided, single submitter. Criteria: GeneDx Variant Classification Process June 2021. Collection method: clinical testing. Allele origin: germline. Affected: yes.
Comment: Missense variants in this gene are often considered pathogenic (Stenson et al., 2014); In silico analysis supports that this missense variant does not alter protein structure/function; Has not been previously published as pathogenic or benign to our knowledge

Natera, Inc.
Classification: Uncertain significance for Limb-girdle muscular dystrophy type 2I. Last evaluated: 2020-06-02. Review status: no assertion criteria provided. Collection method: clinical testing. Allele origin: germline. Not counted in ClinVar's aggregate classification.

NM_024301.5(FKRP):c.725C>T (p.Ala242Val)

Gene: FKRP (fukutin related protein; plus strand). Cytogenetic location: 19q13.32.
Variant type: single nucleotide variant.
Coding change: c.725C>T on transcript NM_024301.5 (MANE Select); coding-DNA position 725, C replaced by T.
Protein change: p.Ala242Val; replaces alanine 242 with valine.
Molecular consequence: missense variant.
Genome position (GRCh38, 1-based): chr19:46,756,175, C>T. VCF-style: chr19-46756175-C-T. GRCh37 (hg19) VCF-style: chr19-47259432-C-T.
Other names: p.Ala242Val; c.725C>T, p.Ala242Val (NM_001039885.3); short protein forms A242V.
Identifiers: ClinVar variation 971263 (VCV000971263.9), dbSNP rs1298321836, ClinGen allele CA406495892.